The following is an entry in ClinVar:

NM_080473.5(GATA5):c.718G>A (p.Gly240Ser)

Gene: GATA5 (GATA binding protein 5; minus strand). Cytogenetic location: 20q13.33.
Variant type: single nucleotide variant.
Coding change: c.718G>A on transcript NM_080473.5 (MANE Select); coding-DNA position 718, G replaced by A.
Protein change: p.Gly240Ser; replaces glycine 240 with serine.
Molecular consequence: missense variant.
Genome position (GRCh38, 1-based): chr20:62,466,533, C>T on the plus strand (G>A on the coding strand, the complement: GATA5 is on the minus strand). VCF-style: chr20-62466533-C-T. GRCh37 (hg19) VCF-style: chr20-61041589-C-T.
Other names: short protein forms G240S.
Identifiers: ClinVar variation 3630188 (VCV003630188.2).

ClinVar aggregate classification (germline): Uncertain significance (1 of 4 stars; one submission).

gnomAD v4.1: 10 of 1,555,896 alleles (0.00064%); highest among the groups gnomAD compares: African/African-American, 0.0014%; no homozygotes.

Submission:

Labcorp Genetics (formerly Invitae), Labcorp
Classification: Uncertain significance. Last evaluated: 2025-06-14. Review status: criteria provided, single submitter. Criteria: Invitae Variant Classification Sherloc (09022015). Collection method: clinical testing. Allele origin: germline.
Comment: This sequence change replaces glycine, which is neutral and non-polar, with serine, which is neutral and polar, at codon 240 of the GATA5 protein (p.Gly240Ser). This variant is not present in population databases (gnomAD no frequency). This variant has not been reported in the literature in individuals affected with GATA5-related conditions. ClinVar contains an entry for this variant (Variation ID: 3630188). Invitae Evidence Modeling of protein sequence and biophysical properties (such as structural, functional, and spatial information, amino acid conservation, physicochemical variation, residue mobility, and thermodynamic stability) indicates that this missense variant is expected to disrupt GATA5 protein function with a positive predictive value of 80%. In summary, the available evidence is currently insufficient to determine the role of this variant in disease. Therefore, it has been classified as a Variant of Uncertain Significance.